The following is an entry in ClinVar:

ClinVar aggregate classification (germline): Uncertain significance (1 of 4 stars; one submission).

Conditions:
Familial adenomatous polyposis 1 (FAP1). Also called: FAMILIAL ADENOMATOUS POLYPOSIS 1, ATTENUATED; POLYPOSIS, ADENOMATOUS INTESTINAL. Identifiers: MedGen C2713442, MONDO:0021056, OMIM 175100. Disease mechanism: loss of function.

Submission:

Labcorp Genetics (formerly Invitae), Labcorp
Classification: Uncertain significance for Familial adenomatous polyposis 1. Last evaluated: 2023-05-22. Review status: criteria provided, single submitter. Criteria: Invitae Variant Classification Sherloc (09022015). Collection method: clinical testing. Allele origin: germline.
Comment: In summary, the available evidence is currently insufficient to determine the role of this variant in disease. Therefore, it has been classified as a Variant of Uncertain Significance. Experimental studies and prediction algorithms are not available or were not evaluated, and the functional significance of this variant is currently unknown. This variant occurs in a non-coding region of the APC gene. It does not change the encoded amino acid sequence of the APC protein. This variant is not present in population databases (gnomAD no frequency). This variant has not been reported in the literature in individuals affected with APC-related conditions.

NM_001127511.3(APC):c.-151G>A

Gene: APC (APC regulator of Wnt signaling pathway; plus strand). Cytogenetic location: 5q22.2.
Variant type: single nucleotide variant.
Coding change: c.-151G>A on transcript NM_001127511.3; 151 bases upstream of the start codon, G replaced by A.
Molecular consequence: 5 prime UTR variant. On other transcripts: non-coding transcript variant (2).
Genome position (GRCh38, 1-based): chr5:112,707,567, G>A. VCF-style: chr5-112707567-G-A. GRCh37 (hg19) VCF-style: chr5-112043264-G-A.
Other names: c.-334G>A (NM_001407452.1, NM_001407456.1, NM_001407460.1 and 3 more transcripts); c.-125G>A (NM_001407453.1); c.-101G>A (NM_001407457.1, NM_001407458.1, NM_001407448.1 and 1 more transcripts); c.-1369G>A (NM_001407470.1, NM_001407472.1); c.-151G>A (NM_001354897.2, NM_001354902.2, NM_001407446.1).
Identifiers: ClinVar variation 1056732 (VCV001056732.9), dbSNP rs1029997545, ClinGen allele CA124924901.
Genomic context (GRCh38, chr5:112,707,567, plus strand): 5'-TCTTCCCACCTCCCACAAGATGGCGGAGGGCAAGTAGCAAGGGGGCGGGGTGTGGCCGCC[G>A]GAAGCCTAGCCGCTGCTCGGGGGGGACCTGCGGGCTCAGGCCCGGGAGCTGCGGACCGAG-3'